The following is an entry in ClinVar:

ClinVar aggregate classification (germline): Uncertain significance. Review status: criteria provided, multiple submitters, no conflicts (2 of 4 stars). 2 submissions from 2 submitters: Uncertain significance (2). Last evaluated 2026-03-25.

Submissions (2):

GeneDx
Classification: Uncertain significance. Last evaluated: 2026-03-25. Review status: criteria provided, single submitter. Criteria: GeneDx Variant Classification Process June 2021. Collection method: clinical testing. Allele origin: germline.
Comment: Not observed at significant frequency in large population cohorts (gnomAD); In silico analysis supports that this missense variant has a deleterious effect on protein structure/function; Has not been previously published as pathogenic or benign to our knowledge

Labcorp Genetics (formerly Invitae), Labcorp
Classification: Uncertain significance. Last evaluated: 2025-03-20. Review status: criteria provided, single submitter. Criteria: Invitae Variant Classification Sherloc (09022015). Collection method: clinical testing. Allele origin: germline.
Comment: This sequence change replaces arginine, which is basic and polar, with cysteine, which is neutral and slightly polar, at codon 476 of the ABL1 protein (p.Arg476Cys). This variant is not present in population databases (gnomAD no frequency). This variant has not been reported in the literature in individuals affected with ABL1-related conditions. Invitae Evidence Modeling of protein sequence and biophysical properties (such as structural, functional, and spatial information, amino acid conservation, physicochemical variation, residue mobility, and thermodynamic stability) indicates that this missense variant is expected to disrupt ABL1 protein function with a positive predictive value of 80%. In summary, the available evidence is currently insufficient to determine the role of this variant in disease. Therefore, it has been classified as a Variant of Uncertain Significance.

NM_005157.6(ABL1):c.1369C>T (p.Arg457Cys)

Gene: ABL1 (ABL proto-oncogene 1, non-receptor tyrosine kinase; plus strand). Cytogenetic location: 9q34.12.
Variant type: single nucleotide variant.
Coding change: c.1369C>T on transcript NM_005157.6 (MANE Select); coding-DNA position 1369, C replaced by T.
Protein change: p.Arg457Cys; replaces arginine 457 with cysteine.
Molecular consequence: missense variant.
Genome position (GRCh38, 1-based): chr9:130,878,513, C>T. VCF-style: chr9-130878513-C-T. GRCh37 (hg19) VCF-style: chr9-133753900-C-T.
Other names: c.1426C>T, p.Arg476Cys (NM_007313.3); c.1426C>T (NM_007313.2); short protein forms R476C, R457C.
Identifiers: ClinVar variation 4742007 (VCV004742007.2).